The following is an entry in ClinVar:

ClinVar aggregate classification (germline): Conflicting classifications of pathogenicity. Review status: criteria provided, conflicting classifications (1 of 4 stars). 9 submissions from 9 submitters: Uncertain significance (2); Benign (1); Likely benign (5). 1 of the submissions does not count toward it. Last evaluated 2025-09-24.

Conditions:
TSC2-related disorder. Also called: TSC2-related condition; TSC2-Related Disorders.
Tuberous sclerosis 2 (TSC2). Identifiers: Orphanet 805, MedGen C1860707, MONDO:0013199, OMIM 613254.
Hereditary cancer-predisposing syndrome. Also called: Tumor predisposition; Neoplastic Syndromes, Hereditary; Hereditary neoplastic syndrome; Hereditary Cancer Syndrome. Identifiers: Orphanet 140162, MedGen C0027672, MeSH D009386, MONDO:0015356.

Allele frequency attached by ClinVar (database versions not stated): gnomAD 0.00001; gnomAD exomes 0.00001; ExAC 0.00004; ESP Exome Variant Server 0.00008.
gnomAD v4.1: 21 of 1,600,326 alleles (0.0013%); highest among the groups gnomAD compares: African/African-American, 0.0067%; no homozygotes.

Submissions (9):

Labcorp Genetics (formerly Invitae), Labcorp
Classification: Benign for Tuberous sclerosis 2. Last evaluated: 2025-09-24. Review status: criteria provided, single submitter. Criteria: Invitae Variant Classification Sherloc (09022015). Collection method: clinical testing. Allele origin: germline.

Quest Diagnostics Nichols Institute San Juan Capistrano
Classification: Uncertain significance. Last evaluated: 2024-12-06. Review status: criteria provided, single submitter. Criteria: Quest Diagnostics criteria. Collection method: clinical testing. Allele origin: unknown.

Myriad Genetics, Inc.
Classification: Likely benign for Tuberous sclerosis 2. Last evaluated: 2024-08-20. Review status: criteria provided, single submitter. Criteria: Myriad Autosomal Dominant, Autosomal Recessive and X-Linked Classification Criteria (2023). Collection method: clinical testing. Allele origin: unknown.
Comment: This variant is considered likely benign. This variant has been observed at a population frequency that is significantly greater than expected given the associated disease prevalence and penetrance.

Blueprint Genetics
Classification: Likely benign. Last evaluated: 2023-05-10. Review status: criteria provided, single submitter. Criteria: ACMG Guidelines, 2015. Collection method: clinical testing. Allele origin: germline.

Genome-Nilou Lab
Classification: Likely benign for Tuberous sclerosis 2. Last evaluated: 2021-11-07. Review status: criteria provided, single submitter. Criteria: ACMG Guidelines, 2015. Collection method: clinical testing. Allele origin: germline. Affected: no.

GeneDx
Classification: Likely benign. Last evaluated: 2019-11-13. Review status: criteria provided, single submitter. Criteria: GeneDx Variant Classification Process June 2021. Collection method: clinical testing. Allele origin: germline. Affected: yes.
Comment: Has not been previously published as pathogenic or benign to our knowledge; In silico analysis, which includes splice predictors and evolutionary conservation, suggests this variant may impact gene splicing. In the absence of RNA/functional studies, the actual effect of this sequence change is unknown.; This variant is associated with the following publications: (PMID: 10732801)

Ambry Genetics
Classification: Likely benign for Hereditary cancer-predisposing syndrome. Last evaluated: 2017-10-04. Review status: criteria provided, single submitter. Criteria: Ambry Variant Classification Scheme 2023. Collection method: clinical testing. Allele origin: germline.

Eurofins Ntd Llc (ga)
Classification: Uncertain significance. Last evaluated: 2017-05-08. Review status: criteria provided, single submitter. Criteria: EGL Classification Definitions 2015. Collection method: clinical testing. Allele origin: germline. Observed: 1 variant allele, 1 heterozygote.

PreventionGenetics, part of Exact Sciences
Classification: Likely benign for TSC2-related condition. Last evaluated: 2024-07-12. Review status: no assertion criteria provided. Collection method: clinical testing. Allele origin: germline. Not counted in ClinVar's aggregate classification.
Comment: This variant is classified as likely benign based on ACMG/AMP sequence variant interpretation guidelines (Richards et al. 2015 PMID: 25741868, with internal and published modifications).

NM_000548.5(TSC2):c.3918C>T (p.Gly1306=)

Gene: TSC2 (TSC complex subunit 2; plus strand). Cytogenetic location: 16p13.3.
Variant type: single nucleotide variant.
Coding change: c.3918C>T on transcript NM_000548.5 (MANE Select); coding-DNA position 3918, C replaced by T.
Protein change: p.Gly1306=; no amino-acid change (glycine 1306 retained).
Molecular consequence: synonymous variant.
Genome position (GRCh38, 1-based): chr16:2,083,729, C>T. VCF-style: chr16-2083729-C-T. GRCh37 (hg19) VCF-style: chr16-2133730-C-T.
Other names: c.3717C>T, p.Gly1239= (NM_001077183.3); c.3849C>T, p.Gly1283= (NM_001114382.3); c.3609C>T, p.Gly1203= (NM_001318827.2); c.3573C>T, p.Gly1191= (NM_001318829.2); c.3186C>T, p.Gly1062= (NM_001318831.2); c.3750C>T, p.Gly1250= (NM_001318832.2); c.3720C>T, p.Gly1240= (NM_001363528.2); c.3786C>T, p.Gly1262= (NM_001370404.1); and 2 more.
Identifiers: ClinVar variation 389429 (VCV000389429.30), dbSNP rs368712041, ClinGen allele CA049614.